The following is an entry in ClinVar:

NM_022051.3(EGLN1):c.57_59dup (p.Tyr20Ter)

Gene: EGLN1 (egl-9 family hypoxia inducible factor 1; minus strand). Cytogenetic location: 1q42.2.
Variant type: Duplication.
Coding change: c.57_59dup on transcript NM_022051.3 (MANE Select); coding-DNA positions 57 to 59, 3 bases duplicated (GTA; older notation c.57_59dupGTA).
Protein change: p.Tyr20Ter; replaces tyrosine 20 with a stop codon.
Molecular consequence: nonsense.
Genome position (GRCh38, 1-based): chr1:231,421,830-231,421,832, TAC duplicated on the plus strand (GTA on the coding strand, the reverse complement: EGLN1 is on the minus strand); duplicating any 3 consecutive bases within chr1:231,421,830-231,421,833 gives the same sequence; the c. name uses the placement nearest the transcript's 3' end. VCF-style (leftmost placement, unchanged base first): chr1-231421829-G-GTAC. GRCh37 (hg19) VCF-style: chr1-231557575-G-GTAC.
Other names: c.57_59dup, p.Tyr20Ter (NM_001377260.1, NM_001377261.1); short protein forms Y20*.
Identifiers: ClinVar variation 4842502 (VCV004842502.1).
Genomic context (GRCh38, chr1:231,421,829, plus strand): 5'-GAAGGAGCTGCGGCAGCGGCTGCAGCGCAGCAGGTTCTCCATCTTCCCGCACAGCTCGCA[G>GTAC]TACTGCCGGTCTCGCTCGCTCGGGCTCGGCCCGCCGGGCCCGCCGCTGTCATTGGCCATG-3'

ClinVar aggregate classification (germline): Uncertain significance (1 of 4 stars; one submission).

Submission:

Ambry Genetics
Classification: Uncertain significance. Last evaluated: 2025-12-15. Review status: criteria provided, single submitter. Criteria: Ambry Variant Classification Scheme 2023. Collection method: clinical testing. Allele origin: germline.
Comment: The c.57_59dupGTA variant (also known as p.Q19_Y20ins*), located in coding exon 1 of the EGLN1 gene, results from an in-frame duplication of GTA at nucleotide positions 57 to 59. This results in the insertion of a stop codon between codons 19 and 20. The evidence for this gene-disease relationship is limited; therefore, the clinical significance of this alteration is unclear.